The following is an entry in ClinVar:

ClinVar aggregate classification (germline): Uncertain significance (1 of 4 stars; one submission).

Submission:

Dasa
Classification: Uncertain significance. Last evaluated: 2025-08-25. Review status: criteria provided, single submitter. Criteria: DASA Assertion Criteria. Collection method: clinical testing. Allele origin: germline.
Comment: NM_139278.4(LGI3):c.969del (p.Gln324Serfs*9) is a frameshift variant in LGI3 predicted to alter the reading frame and introduce a premature termination codon and is predicted to result in an absent or altered protein product. This variant is absent from population databases. The currently available literature and clinical evidence are not sufficient to establish a definitive association between this variant and the reported condition. Therefore, this variant is classified as a variant of uncertain significance.

NM_139278.4(LGI3):c.969del (p.Gln324fs)

Gene: LGI3 (leucine rich repeat LGI family member 3; minus strand). Cytogenetic location: 8p21.3.
Variant type: Deletion.
Coding change: c.969del on transcript NM_139278.4 (MANE Select); coding-DNA position 969, one base deleted (G; older notation c.969delG).
Protein change: p.Gln324fs; shifts the reading frame from glutamine 324.
Molecular consequence: frameshift variant.
Genome position (GRCh38, 1-based): chr8:22,148,838, C deleted on the plus strand (G on the coding strand, the reverse complement: LGI3 is on the minus strand). VCF-style (leftmost placement, unchanged base first): chr8-22148837-GC-G. GRCh37 (hg19) VCF-style: chr8-22006350-GC-G.
Other names: short protein forms Q324fs.
Identifiers: ClinVar variation 4883874 (VCV004883874.2).